The following is an entry in ClinVar:

NM_000133.4(F9):c.82T>C (p.Cys28Arg)

Gene: F9 (coagulation factor IX; plus strand). Cytogenetic location: Xq27.1.
Variant type: single nucleotide variant.
Coding change: c.82T>C on transcript NM_000133.4 (MANE Select); coding-DNA position 82, T replaced by C.
Protein change: p.Cys28Arg; replaces cysteine 28 with arginine.
Molecular consequence: missense variant.
Genome position (GRCh38, 1-based): chrX:139,530,846, T>C. VCF-style: chrX-139530846-T-C. GRCh37 (hg19) VCF-style: chrX-138613005-T-C.
Other names: c.82T>C, p.Cys28Arg (NM_001313913.2); short protein forms C28R.
Identifiers: ClinVar variation 10657 (VCV000010657.11), dbSNP rs387906481, ClinGen allele CA255450.

ClinVar aggregate classification (germline): Pathogenic/Likely pathogenic. Review status: criteria provided, multiple submitters, no conflicts (2 of 4 stars). 3 submissions from 3 submitters: Pathogenic (1); Likely pathogenic (1). 1 of the submissions does not count toward it. Last evaluated 2021-03-24.

Conditions:
F9-related disorders.
Hereditary factor IX deficiency disease (HEMB). Also called: Christmas Disease; PLASMA THROMBOPLASTIN COMPONENT DEFICIENCY; F9 DEFICIENCY; FACTOR IX DEFICIENCY; Hemophilia B. Identifiers: Orphanet 98879, MedGen C0008533, MeSH D002836, MONDO:0010604, OMIM 306900.
Thrombophilia, X-linked, due to factor 9 defect. Identifiers: MedGen C2749016, MONDO:0010432, OMIM 300807.

Allele frequency attached by ClinVar (database versions not stated): TOPMed 0.00001.

Submissions (3):

Blueprint Genetics
Classification: Likely pathogenic for F9-related disorders. Last evaluated: 2021-03-24. Review status: criteria provided, single submitter. Criteria: ACMG Guidelines, 2015. Collection method: clinical testing. Allele origin: germline. Affected: yes. Observed: 2 variant alleles.

Labcorp Genetics (formerly Invitae), Labcorp
Classification: Pathogenic for Thrombophilia, X-linked, due to factor 9 defect; Hereditary factor IX deficiency disease. Last evaluated: 2021-02-02. Review status: criteria provided, single submitter. Criteria: Invitae Variant Classification Sherloc (09022015). Collection method: clinical testing. Allele origin: germline.
Comment: This variant is not present in population databases (ExAC no frequency). This variant has been observed in individual(s) with hemophilia B (PMID: 7937052, 22639855, 19699296, 15921378). This variant is also known as T111C; Cys-19Arg. ClinVar contains an entry for this variant (Variation ID: 10657). Advanced modeling of protein sequence and biophysical properties (such as structural, functional, and spatial information, amino acid conservation, physicochemical variation, residue mobility, and thermodynamic stability) performed at Invitae indicates that this missense variant is not expected to disrupt F9 protein function. This sequence change replaces cysteine with arginine at codon 28 of the F9 protein (p.Cys28Arg). The cysteine residue is moderately conserved and there is a large physicochemical difference between cysteine and arginine. This variant disrupts the p.Cys28 amino acid residue in F9. Other variant(s) that disrupt this residue have been determined to be pathogenic (PMID: 22639855, 19699296, 15921378). This suggests that this residue is clinically significant, and that variants that disrupt this residue are likely to be disease-causing. For these reasons, this variant has been classified as Pathogenic.

OMIM
Classification: Pathogenic for HEMOPHILIA B. Last evaluated: 2013-09-11. Review status: no assertion criteria provided. Collection method: literature only. Allele origin: germline. Not counted in ClinVar's aggregate classification.

Literature cited by the submitters: PubMed 7937052 (cited by Labcorp Genetics (formerly Invitae), Labcorp); PubMed 22639855 (cited by Labcorp Genetics (formerly Invitae), Labcorp); PubMed 19699296 (cited by Labcorp Genetics (formerly Invitae), Labcorp); PubMed 15921378 (cited by Labcorp Genetics (formerly Invitae), Labcorp).